The following is an entry in ClinVar:

NM_002485.5(NBN):c.553_554delinsCG (p.Glu185Arg)

Gene: NBN (nibrin; minus strand). Cytogenetic location: 8q21.3.
Variant type: Indel.
Coding change: c.553_554delinsCG on transcript NM_002485.5 (MANE Select); coding-DNA positions 553 to 554, GA replaced by CG.
Protein change: p.Glu185Arg; replaces glutamic acid 185 with arginine.
Molecular consequence: missense variant.
Genome position (GRCh38, 1-based): chr8:89,978,250-89,978,251, TC replaced by CG on the plus strand (GA replaced by CG on the coding strand, the reverse complement: NBN is on the minus strand). VCF-style: chr8-89978250-TC-CG. GRCh37 (hg19) VCF-style: chr8-90990478-TC-CG.
Other names: c.307_308delinsCG, p.Glu103Arg (NM_001024688.3); short protein forms E103R, E185R.
Identifiers: ClinVar variation 2802255 (VCV002802255.3), dbSNP rs2488343680, ClinGen allele CA2739265796.
Genomic context (GRCh38, chr8:89,978,250, plus strand): 5'-ATCTTGTTATATTTAAAATACATAATATACCTTTCAATTTGTGGAGGCTGCTTCTTGGAC[TC>CG]AACTGCTTTCAGGAATTCAGTAAAATATTCTGGCTTTACAATTGGACGTCCACAAATGAG-3'
Protein context (NP_002476.2, residues 175-195): EYFTEFLKAV[Glu185Arg]SKKQPPQIES

ClinVar aggregate classification (germline): Uncertain significance (1 of 4 stars; one submission).

Conditions:
Microcephaly, normal intelligence and immunodeficiency (NBS). Also called: Nijmegen breakage syndrome; Microcephaly with normal intelligence immunodeficiency and lymphoreticular malignancies; Nonsyndromal microcephaly autosomal recessive with normal intelligence; Seemanova syndrome 2; SEEMANOVA SYNDROME II; Ataxia telangiectasia variant V1. Identifiers: Orphanet 647, MedGen C0398791, MONDO:0009623, OMIM 251260.

Submission:

Labcorp Genetics (formerly Invitae), Labcorp
Classification: Uncertain significance for Microcephaly, normal intelligence and immunodeficiency. Last evaluated: 2023-07-25. Review status: criteria provided, single submitter. Criteria: Invitae Variant Classification Sherloc (09022015). Collection method: clinical testing. Allele origin: germline.
Comment: Information on the frequency of this variant in the gnomAD database is not available, as this variant may be reported differently in the database. In summary, the available evidence is currently insufficient to determine the role of this variant in disease. Therefore, it has been classified as a Variant of Uncertain Significance. An algorithm developed to predict the effect of missense changes on protein structure and function (PolyPhen-2) suggests that this variant is likely to be tolerated. This variant has not been reported in the literature in individuals affected with NBN-related conditions. This sequence change replaces glutamic acid, which is acidic and polar, with arginine, which is basic and polar, at codon 185 of the NBN protein (p.Glu185Arg).